The following is an entry in ClinVar:

NM_000492.4(CFTR):c.3274T>C (p.Tyr1092His)

Genes: CFTR (CF transmembrane conductance regulator; plus strand), CFTR-AS2 (CFTR antisense RNA 2; minus strand), LOC111674472 (DNase I hypersensitive sites in introns 16 and 17a of CFTR; plus strand). Cytogenetic location: 7q31.2.
Variant type: single nucleotide variant.
Coding change: c.3274T>C on transcript NM_000492.4 (MANE Select); coding-DNA position 3274, T replaced by C.
Protein change: p.Tyr1092His; replaces tyrosine 1092 with histidine.
Molecular consequence: missense variant.
Genome position (GRCh38, 1-based): chr7:117,611,715, T>C. VCF-style: chr7-117611715-T-C. GRCh37 (hg19) VCF-style: chr7-117251769-T-C.
Other names: short protein forms Y1092H.
Identifiers: ClinVar variation 495930 (VCV000495930.47), dbSNP rs376968326, ClinGen allele CA4451415.

ClinVar aggregate classification (germline): Conflicting classifications of pathogenicity. Review status: criteria provided, conflicting classifications (1 of 4 stars). 16 submissions from 16 submitters: Pathogenic (1); Likely pathogenic (2); Uncertain significance (12). 1 of the submissions does not count toward it. Last evaluated 2026-06-30.

Conditions:
CFTR-related disorder (CFTR-RD). Also called: CFTR-related disorders; CFTR-related condition. Identifiers: MedGen C5924204, MONDO:7770004.
Congenital bilateral aplasia of vas deferens from CFTR mutation (CBAVD). Identifiers: Orphanet 48, MedGen C0403814, MONDO:0010178, OMIM 277180. Disease mechanism: loss of function.
Bronchiectasis with or without elevated sweat chloride 1 (BESC1). Also called: Cystic Fibrosis-Like Syndrome. Identifiers: Orphanet 60033, MedGen C2749757, MONDO:0008887, OMIM 211400.
Cystic fibrosis (CF). Also called: MUCOVISCIDOSIS. Identifiers: Orphanet 586, MedGen C0010674, MONDO:0009061, OMIM 219700. Disease mechanism: loss of function.
Hereditary pancreatitis (PCTT). Also called: PRSS1-Related Hereditary Pancreatitis; Hereditary chronic pancreatitis. Identifiers: Orphanet 676, MedGen C0238339, MONDO:0008185, OMIM 167800.

Allele frequency attached by ClinVar (database versions not stated): gnomAD exomes 0.00002 and 0.00009; ExAC 0.00003; TOPMed 0.00006; ESP Exome Variant Server 0.00008; gnomAD 0.00011 and 0.00012.
gnomAD v4.1: 154 of 1,613,466 alleles (0.0095%); highest among the groups gnomAD compares: Admixed American, 0.048%; 1 homozygote.

Submissions 1 to 6 of 16:

PreventionGenetics, part of Exact Sciences
Classification: Uncertain significance for CFTR-related condition. Last evaluated: 2026-06-30. Review status: criteria provided, single submitter. Criteria: ACMG Guidelines, 2015. Collection method: clinical testing. Allele origin: germline.
Comment: The CFTR c.3274T>C variant is predicted to result in the amino acid substitution p.Tyr1092His. This variant has been reported in individuals with cystic fibrosis (CF) (Table S3, Trujillano et al. 2013. PubMed ID: 23687349; Bulegenova et al. 2022. PubMed ID: 35273129; Blevings et al. 2025. PubMed ID: 41019016) and has been reported in individuals with CFTR-related diseases such as bronchiectasis (Prontera et al. 2016. PubMed ID: 27728908; Pecho-Silva and Navarro-Solsol. 2021. DOI:10.35839/repis.5.2.1008; Lawless et al. 2023. PubMed ID: 36828084). This variant has also been noted in CF cohorts and the CFTR2 and the CFTR France databases (Table S4, Mikó et al. 2021. PubMed ID: 34405919; Table S1, Bihler et al. 2024. PubMed ID: 38388235). This variant was also found in a patient with unknown phenotype as part of a newborn screening program (Tabor et al. 2014. PubMed ID: 25087612). This variant is reported in 0.0047% of alleles in individuals of European (non-Finnish) descent in gnomAD and has conflicting classifications in ClinVar ranging from uncertain to pathogenic (Variation ID: 495930). Although we suspect that this variant may be pathogenic, at this time, the clinical significance of this variant is uncertain due to the absence of conclusive functional and genetic evidence.

Victorian Clinical Genetics Services, Murdoch Childrens Research Institute
Classification: Uncertain significance for Cystic fibrosis. Last evaluated: 2026-04-29. Review status: criteria provided, single submitter. Criteria: ACMG Guidelines, 2015. Collection method: clinical testing. Allele origin: germline.
Comment: This variant is classified as VUS-3A. Evidence in support of pathogenic classification: Variant is present in gnomAD <0.01 for a recessive condition (v4: 152 heterozygote(s), 1 homozygote(s)); Missense variant predicted to be damaging by in silico tool(s) or highly conserved with a major amino acid change. Additional information: Variant is predicted to result in a missense amino acid change from Tyr to His; This variant is heterozygous; This gene is associated with autosomal recessive disease; Alternative amino acid change(s) at the same position are present in gnomAD (v4: 6 heterozygote(s), 0 homozygote(s)); Previous reports of pathogenicity for this variant are conflicting. This variant has also been reported heterozygous or without allelic information in individuals with CF, bronchiectasis, pancreatitis, primary immunodeficiency (PID), and lung disease (CFTR2 db, CFTR France db, LOVD, PMIDs: 23687349, 35273129, 36828084, 41019016, 27728908, Pecho-Silva, S. et al. (2020)); No published evidence of segregation with disease has been identified for this variant; Functional evidence for this variant is inconclusive. Mutagenesis studies showed this variant resulted in 18.53% of normal chloride channel conductance relative to WT and was borderline responsive to modulator drugs (PMID:38388235); Other missense variant(s) comparable to the one identified in this case have conflicting previous evidence for pathogenicity. p.(Tyr1092Ser) was reported compound heterozygous in an individual with a clinical or probable CF diagnosis (PMID:12938099). p.(Tyr1092Cys) has been reported a VUS by clinical laboratories in ClinVar, heterozygous in an individual with infertility, and compound heterozygous in a CFTR-RD affected individual with a second uncertain variant (PMIDs: 23687349, 32357917); Variant is located in the annotated ABC transporter transmembrane domain (DECIPHER); Loss of function is a known mechanism of disease in this gene and is associated with cystic fibrosis (MIM#219700).

Labcorp Genetics (formerly Invitae), Labcorp
Classification: Likely pathogenic for Cystic fibrosis. Last evaluated: 2026-01-25. Review status: criteria provided, single submitter. Criteria: Invitae Variant Classification Sherloc (09022015). Collection method: clinical testing. Allele origin: germline.
Comment: This sequence change replaces tyrosine, which is neutral and polar, with histidine, which is basic and polar, at codon 1092 of the CFTR protein (p.Tyr1092His). This variant is present in population databases (rs376968326, gnomAD 0.006%). This missense change has been observed in individuals with cystic fibrosis (PMID: 23687349, 27728908, 35273129). ClinVar contains an entry for this variant (Variation ID: 495930). Invitae Evidence Modeling of protein sequence and biophysical properties (such as structural, functional, and spatial information, amino acid conservation, physicochemical variation, residue mobility, and thermodynamic stability) indicates that this missense variant is expected to disrupt CFTR protein function with a positive predictive value of 80%. In summary, the currently available evidence indicates that the variant is pathogenic, but additional data are needed to prove that conclusively. Therefore, this variant has been classified as Likely Pathogenic.

Women's Health and Genetics/Laboratory Corporation of America, LabCorp
Classification: Uncertain significance. Last evaluated: 2026-01-14. Review status: criteria provided, single submitter. Criteria: LabCorp Variant Classification Summary - May 2015. Collection method: clinical testing. Allele origin: germline.
Comment: Variant summary: CFTR c.3274T>C (p.Tyr1092His) results in a conservative amino acid change located in the ABC transporter type 1, transmembrane domain (IPR011527) of the encoded protein sequence. Algorithms developed to predict the effect of missense changes on protein structure and function are either unavailable or do not agree on the potential impact of this missense change. The variant allele was found at a frequency of 2.4e-05 in 251172 control chromosomes. c.3274T>C has been reported in the literature in individuals affected with Cystic Fibrosis in compound heterozygosity with known- or likely pathogenic variants (Trujillano_2013, Prontera_2016). These data indicate that the variant may be associated with disease. At least one publication reports experimental evidence evaluating an impact on protein function. The most pronounced variant effect resulted in approximately (18.5)% of normal chloride channel conductance relative to wild type (e.g., Bihler_2024). The following publications have been ascertained in the context of this evaluation (PMID: 26990548, 34140271, 38388235, 35273129, 11504857, 27728908, 25735457, 25087612, 23687349, 41019016). ClinVar contains an entry for this variant (Variation ID: 495930). Based on the evidence outlined above, the variant was classified as VUS-possibly pathogenic.

Quest Diagnostics Nichols Institute San Juan Capistrano
Classification: Pathogenic. Last evaluated: 2025-07-14. Review status: criteria provided, single submitter. Criteria: Quest Diagnostics criteria. Collection method: clinical testing. Allele origin: unknown.
Comment: The CFTR c.3274T>C (p.Tyr1092His) variant has been reported in the published literature in individuals affected with cystic fibrosis (PMIDs: 35273129 (2022), 27728908 (2016)). Individuals affected with cystic fibrosis were compound heterozygous for the variant and another pathogenic CFTR variant ( PMID: 27728908 (2016), and CFTR France). In addition, this variant has been reported as having a deleterious effect on protein function (PMID: 38388235 (2024)). Analysis of this variant using bioinformatics tools for the prediction of the effect of amino acid changes on protein structure and function yielded predictions that this variant is damaging. Based on the available information, this variant is classified as pathogenic.

Ambry Genetics
Classification: Uncertain significance for Cystic fibrosis. Last evaluated: 2025-03-17. Review status: criteria provided, single submitter. Criteria: Ambry Variant Classification Scheme 2023. Collection method: clinical testing. Allele origin: germline.
Comment: The p.Y1092H variant (also known as c.3274T>C), located in coding exon 20 of the CFTR gene, results from a T to C substitution at nucleotide position 3274. The tyrosine at codon 1092 is replaced by histidine, an amino acid with similar properties. This variant has been reported in one individual from a cystic fibrosis (CF) cohort in conjunction with an intronic CFTR deletion and in a second CF cohort in an individual in conjunction with the CFTR p.F508del mutation; however, information regarding phase was not provided and clinical details were limited (Trujillano D et al. J. Med. Genet., 2013 Jul;50:455-62; Prontera P et al. Public Health Genomics, 2016 Oct;19:336-341). This amino acid position is highly conserved in available vertebrate species. In addition, this alteration is predicted to be deleterious by in silico analysis. Based on the available evidence, the clinical significance of this variant remains unclear.